The following is an entry in ClinVar:

Single allele

Variant type: Duplication.
Identifiers: ClinVar variation 157055 (VCV000157055.2).

ClinVar aggregate classification (germline): not provided (0 of 4 stars; one submission).

Conditions:
Small for gestational age. Also called: Low birth weight. Identifiers: MedGen C0235991, HP:0001518.

Submission:

Institute of Molecular and Cell Biology, University of Tartu
No classification provided. Condition: Small for gestational age. Review status: no classification provided. Collection method: case-control. Allele origin: unknown. Affected: yes. Study: Kasak2014.
Comment: The study aimed to determine the contribution of copy number variants in the genetic etiology of normal and complicated pregnancies. The samples represented (i) maternal blood DNA drawn from healthy pregnant women during 1st or 2nd trimester and (ii) maternal and paternal blood DNA drawn at term pregnancy cases representing normal and complicated gestations (severe preeclampsia, PE; gestational diabetes, GD; small-for-gestational age newborn, SGA; large-for-gestational age newborn, LGA). We performed CNV calling based on genome-wide genotyping dataset (Illumina HumanOmniExpress-24-v1 BeadChip) by applying three algorithms, QuantiSNP, GADA (Genome Alteration Detection Algorithm) and CNstream in parallel. The acquired CNV calls were merged with HD-CNV (Hotspot Detector for Copy Number Variants) program and only the CNVs predicted by at least two programs, were considered in subsequent analysis.

Literature cited by the submitters: PubMed 25666259.